The following is an entry in ClinVar:

ClinVar aggregate classification (germline): Uncertain significance (1 of 4 stars; one submission).

Submission:

Labcorp Genetics (formerly Invitae), Labcorp
Classification: Uncertain significance. Last evaluated: 2022-05-30. Review status: criteria provided, single submitter. Criteria: Invitae Variant Classification Sherloc (09022015). Collection method: clinical testing. Allele origin: germline.
Comment: In summary, the available evidence is currently insufficient to determine the role of this variant in disease. Therefore, it has been classified as a Variant of Uncertain Significance. This sequence change replaces lysine, which is basic and polar, with asparagine, which is neutral and polar, at codon 283 of the GATA5 protein (p.Lys283Asn). This variant is not present in population databases (gnomAD no frequency). This variant has not been reported in the literature in individuals affected with GATA5-related conditions. Algorithms developed to predict the effect of missense changes on protein structure and function are either unavailable or do not agree on the potential impact of this missense change (SIFT: "Deleterious"; PolyPhen-2: "Probably Damaging"; Align-GVGD: "Class C0").

NM_080473.5(GATA5):c.849G>T (p.Lys283Asn)

Gene: GATA5 (GATA binding protein 5; minus strand). Cytogenetic location: 20q13.33.
Variant type: single nucleotide variant.
Coding change: c.849G>T on transcript NM_080473.5 (MANE Select); coding-DNA position 849, G replaced by T.
Protein change: p.Lys283Asn; replaces lysine 283 with asparagine.
Molecular consequence: missense variant.
Genome position (GRCh38, 1-based): chr20:62,465,898, C>A on the plus strand (G>T on the coding strand, the complement: GATA5 is on the minus strand). VCF-style: chr20-62465898-C-A. GRCh37 (hg19) VCF-style: chr20-61040954-C-A.
Other names: short protein forms K283N.
Identifiers: ClinVar variation 2000947 (VCV002000947.4), dbSNP rs139351345, ClinGen allele CA409553514.